The following is an entry in ClinVar:

ClinVar aggregate classification (germline): Uncertain significance (1 of 4 stars; one submission).

Conditions:
Alstrom syndrome (ALMS). Identifiers: Orphanet 64, MedGen C0268425, MONDO:0008763, OMIM 203800.

Submission:

Labcorp Genetics (formerly Invitae), Labcorp
Classification: Uncertain significance for Alstrom syndrome. Last evaluated: 2022-04-12. Review status: criteria provided, single submitter. Criteria: Invitae Variant Classification Sherloc (09022015). Collection method: clinical testing. Allele origin: germline.
Comment: This sequence change replaces glutamic acid, which is acidic and polar, with lysine, which is basic and polar, at codon 67 of the ALMS1 protein (p.Glu67Lys). This variant is not present in population databases (gnomAD no frequency). This variant has not been reported in the literature in individuals affected with ALMS1-related conditions. Experimental studies and prediction algorithms are not available or were not evaluated, and the functional significance of this variant is currently unknown. In summary, the available evidence is currently insufficient to determine the role of this variant in disease. Therefore, it has been classified as a Variant of Uncertain Significance.

NM_001378454.1(ALMS1):c.196G>A (p.Glu66Lys)

Gene: ALMS1 (ALMS1 centrosome and basal body associated protein; plus strand). Cytogenetic location: 2p13.1.
Variant type: single nucleotide variant.
Coding change: c.196G>A on transcript NM_001378454.1 (MANE Select); coding-DNA position 196, G replaced by A.
Protein change: p.Glu66Lys; replaces glutamic acid 66 with lysine.
Molecular consequence: missense variant.
Genome position (GRCh38, 1-based): chr2:73,386,064, G>A. VCF-style: chr2-73386064-G-A. GRCh37 (hg19) VCF-style: chr2-73613192-G-A.
Other names: c.199G>A, p.Glu67Lys (NM_015120.4); short protein forms E66K, E67K.
Identifiers: ClinVar variation 2415656 (VCV002415656.3), dbSNP rs1169223296, ClinGen allele CA347250805.